The following is an entry in ClinVar:

ClinVar aggregate classification (germline): Uncertain significance. Review status: criteria provided, multiple submitters, no conflicts (2 of 4 stars). 2 submissions from 2 submitters: Uncertain significance (2). Last evaluated 2025-08-31.

Conditions:
Inborn genetic diseases. Identifiers: MedGen C0950123, MeSH D030342.

Allele frequency attached by ClinVar (database versions not stated): gnomAD exomes below 0.00001.
gnomAD v4.1: 1 of 1,611,620 alleles (0.000062%); highest among the groups gnomAD compares: Admixed American, 0.0017%; no homozygotes.

Submissions (2):

Ambry Genetics
Classification: Uncertain significance for Inborn genetic diseases. Last evaluated: 2025-08-31. Review status: criteria provided, single submitter. Criteria: Ambry Variant Classification Scheme 2023. Collection method: clinical testing. Allele origin: germline.

GeneDx
Classification: Uncertain significance. Last evaluated: 2016-09-13. Review status: criteria provided, single submitter. Criteria: GeneDx Variant Classification (06012015). Collection method: clinical testing. Allele origin: germline. Affected: yes.
Comment: A variant of uncertain significance has been identified in the CLN3 gene. The R255K variant has not been published as a pathogenic variant, nor has it been reported as a benign variant to our knowledge. The R255K variant is a conservative amino acid substitution, which is not likely to impact secondary protein structure as these residues share similar properties. This substitution occurs at a position that is not conserved and in silico analysis predicts this variant likely does not alter the protein structure/function. However, the R255K variant was not observed in approximately 6,500 individuals of European and African American ancestry in the NHLBI Exome Sequencing Project, indicating it is not a common benign variant in these populations. Therefore, based on the currently available information, it is unclear whether this variant is a pathogenic variant or a rare benign variant.

NM_001042432.2(CLN3):c.764G>A (p.Arg255Lys)

Gene: CLN3 (CLN3 lysosomal/endosomal transmembrane protein, battenin; minus strand). Cytogenetic location: 16p12.1.
Variant type: single nucleotide variant.
Coding change: c.764G>A on transcript NM_001042432.2 (MANE Select); coding-DNA position 764, G replaced by A.
Protein change: p.Arg255Lys; replaces arginine 255 with lysine.
Molecular consequence: missense variant.
Genome position (GRCh38, 1-based): chr16:28,484,032, C>T on the plus strand (G>A on the coding strand, the complement: CLN3 is on the minus strand). VCF-style: chr16-28484032-C-T. GRCh37 (hg19) VCF-style: chr16-28495353-C-T.
Other names: c.764G>A, p.Arg255Lys (NM_000086.2); c.692G>A, p.Arg231Lys (NM_001286104.2); c.464G>A, p.Arg155Lys (NM_001286105.2); c.530G>A, p.Arg177Lys (NM_001286109.2); c.602G>A, p.Arg201Lys (NM_001286110.2); short protein forms R255K, R155K, R201K, R231K, R177K.
Identifiers: ClinVar variation 422173 (VCV000422173.3), dbSNP rs1064795604, ClinGen allele CA16620178.
Genomic context (GRCh38, chr16:28,484,032, plus strand): 5'-GAAAGTGACCTCTCTGAGGGTCTGTGTCTCCTACCTGGCTTCGACTCCGGGGCCTCGGTT[C>T]TTATGAGGGGCTGCCGGGCTGCGCTCTCTGCTTCTTCTTCCCCTCCAGGGTCCTGGGCCT-3'
Protein context (NP_001035897.1, residues 245-265): AESAARQPLI[Arg255Lys]TEAPESKPGS